The following is an entry in ClinVar:

ClinVar aggregate classification (germline): Uncertain significance (1 of 4 stars; one submission).

Conditions:
Amyotrophic lateral sclerosis type 21. Also called: VOCAL CORD AND PHARYNGEAL DYSFUNCTION WITH DISTAL MYOPATHY; MYOPATHY, DISTAL, 2. Identifiers: Orphanet 600, Orphanet 803, MedGen C3807521, MONDO:0011632, OMIM 606070.

Submission:

Labcorp Genetics (formerly Invitae), Labcorp
Classification: Uncertain significance for Amyotrophic lateral sclerosis type 21. Last evaluated: 2019-06-09. Review status: criteria provided, single submitter. Criteria: Invitae Variant Classification Sherloc (09022015). Collection method: clinical testing. Allele origin: germline.
Comment: This sequence change replaces glycine with aspartic acid at codon 635 of the MATR3 protein (p.Gly635Asp). The glycine residue is moderately conserved and there is a moderate physicochemical difference between glycine and aspartic acid. This variant is not present in population databases (ExAC no frequency). This variant has not been reported in the literature in individuals with MATR3-related conditions. Algorithms developed to predict the effect of missense changes on protein structure and function are either unavailable or do not agree on the potential impact of this missense change (SIFT: "Deleterious"; PolyPhen-2: "Benign"; Align-GVGD: "Class C0"). In summary, the available evidence is currently insufficient to determine the role of this variant in disease. Therefore, it has been classified as a Variant of Uncertain Significance.

NM_018834.6(MATR3):c.1904G>A (p.Gly635Asp)

Genes: MATR3 (matrin 3; plus strand), LOC126807526 (CDK7 strongly-dependent group 2 enhancer GRCh37_chr5:138657767-138658966; plus strand). Cytogenetic location: 5q31.2.
Variant type: single nucleotide variant.
Coding change: c.1904G>A on transcript NM_018834.6 (MANE Select); coding-DNA position 1904, G replaced by A.
Protein change: p.Gly635Asp; replaces glycine 635 with aspartic acid.
Molecular consequence: missense variant.
Genome position (GRCh38, 1-based): chr5:139,322,723, G>A. VCF-style: chr5-139322723-G-A. GRCh37 (hg19) VCF-style: chr5-138658412-G-A.
Other names: c.1904G>A, p.Gly635Asp (NM_001194954.2, NM_001194955.2, NM_199189.3); c.1040G>A, p.Gly347Asp (NM_001194956.2); c.890G>A, p.Gly297Asp (NM_001282278.2); short protein forms G347D, G635D, G297D.
Identifiers: ClinVar variation 937895 (VCV000937895.10), dbSNP rs1755638457, ClinGen allele CA361143820.
Genomic context (GRCh38, chr5:139,322,723, plus strand): 5'-CCCAGAAGACTGAGAGTTCAACCGAAGGTAAAGAACAAGAAGAGAAGTCCGGTGAAGATG[G>A]TGAGAAAGACACAAAGGATGACCAGACAGAGCAGGAACCTAATATGCTTCTTGAATCTGA-3'
Protein context (NP_061322.2, residues 625-645): KEQEEKSGED[Gly635Asp]EKDTKDDQTE